The following is an entry in ClinVar:

ClinVar aggregate classification (germline): Uncertain significance (1 of 4 stars; one submission).

Submission:

Dasa
Classification: Uncertain significance. Last evaluated: 2026-07-20. Review status: criteria provided, single submitter. Criteria: DASA Assertion Criteria. Collection method: clinical testing. Allele origin: germline.
Comment: NM_000264.5(PTCH1):c.866A>C (p.His289Pro) is a missense variant that results in the substitution of histidine with proline. This variant is rare in population databases. Computational prediction algorithms are consistent with a deleterious effect. The currently available literature and clinical evidence are not sufficient to establish a definitive association between this variant and the reported condition. Therefore, this variant is classified as a variant of uncertain significance.

NM_000264.5(PTCH1):c.866A>C (p.His289Pro)

Gene: PTCH1 (patched 1; minus strand). Cytogenetic location: 9q22.32.
Variant type: single nucleotide variant.
Coding change: c.866A>C on transcript NM_000264.5 (MANE Select); coding-DNA position 866, A replaced by C.
Protein change: p.His289Pro; replaces histidine 289 with proline.
Molecular consequence: missense variant. On other transcripts: non-coding transcript variant (1).
Genome position (GRCh38, 1-based): chr9:95,480,469, T>G on the plus strand (A>C on the coding strand, the complement: PTCH1 is on the minus strand). VCF-style: chr9-95480469-T-G. GRCh37 (hg19) VCF-style: chr9-98242751-T-G.
Other names: c.668A>C, p.His223Pro (NM_001083602.3); c.863A>C, p.His288Pro (NM_001083603.3); c.413A>C, p.His138Pro (NM_001083604.3, NM_001083605.3, NM_001083606.3 and 1 more transcripts); c.866A>C, p.His289Pro (NM_001354918.2); short protein forms H138P, H223P, H288P, H289P.
Identifiers: ClinVar variation 5020172 (VCV005020172.1).